The following is an entry in ClinVar:

NM_025179.4(PLXNA2):c.1459G>A (p.Ala487Thr)

Gene: PLXNA2 (plexin A2; minus strand). Cytogenetic location: 1q32.2.
Variant type: single nucleotide variant.
Coding change: c.1459G>A on transcript NM_025179.4 (MANE Select); coding-DNA position 1459, G replaced by A.
Protein change: p.Ala487Thr; replaces alanine 487 with threonine.
Molecular consequence: missense variant.
Genome position (GRCh38, 1-based): chr1:208,142,376, C>T on the plus strand (G>A on the coding strand, the complement: PLXNA2 is on the minus strand). VCF-style: chr1-208142376-C-T. GRCh37 (hg19) VCF-style: chr1-208315721-C-T.
Other names: c.1459G>A (NM_025179.3); short protein forms A487T.
Identifiers: ClinVar variation 1427932 (VCV001427932.11), dbSNP rs373494232, ClinGen allele CA1373841.

ClinVar aggregate classification (germline): Uncertain significance. Review status: criteria provided, multiple submitters, no conflicts (2 of 4 stars). 3 submissions from 3 submitters: Uncertain significance (3). Last evaluated 2026-06-25.

Conditions:
PLXNA2-related disorder. Also called: PLXNA2-related condition.

Allele frequency attached by ClinVar (database versions not stated): ExAC 0.00002; gnomAD exomes 0.00003 and 0.00011; TOPMed 0.00003; gnomAD 0.00004; ESP Exome Variant Server 0.00008.
gnomAD v4.1: 170 of 1,613,738 alleles (0.011%); highest among the groups gnomAD compares: Non-Finnish European, 0.013%; no homozygotes.

Submissions (3):

PreventionGenetics, part of Exact Sciences
Classification: Uncertain significance for PLXNA2-related condition. Last evaluated: 2026-06-25. Review status: criteria provided, single submitter. Criteria: ACMG Guidelines, 2015. Collection method: clinical testing. Allele origin: germline.
Comment: The PLXNA2 c.1459G>A variant is predicted to result in the amino acid substitution p.Ala487Thr. To our knowledge, this variant has not been reported in the literature. This variant is reported in 0.0070% of alleles in individuals of European (non-Finnish) descent in gnomAD. At this time, the clinical significance of this variant is uncertain due to the absence of conclusive functional and genetic evidence.

Labcorp Genetics (formerly Invitae), Labcorp
Classification: Uncertain significance. Last evaluated: 2025-08-18. Review status: criteria provided, single submitter. Criteria: Invitae Variant Classification Sherloc (09022015). Collection method: clinical testing. Allele origin: germline.
Comment: This sequence change replaces alanine, which is neutral and non-polar, with threonine, which is neutral and polar, at codon 487 of the PLXNA2 protein (p.Ala487Thr). This variant is present in population databases (rs373494232, gnomAD 0.007%). This variant has not been reported in the literature in individuals affected with PLXNA2-related conditions. ClinVar contains an entry for this variant (Variation ID: 1427932). Invitae Evidence Modeling of protein sequence and biophysical properties (such as structural, functional, and spatial information, amino acid conservation, physicochemical variation, residue mobility, and thermodynamic stability) indicates that this missense variant is not expected to disrupt PLXNA2 protein function with a negative predictive value of 80%. In summary, the available evidence is currently insufficient to determine the role of this variant in disease. Therefore, it has been classified as a Variant of Uncertain Significance.

Ambry Genetics
Classification: Uncertain significance. Last evaluated: 2024-01-22. Review status: criteria provided, single submitter. Criteria: Ambry Variant Classification Scheme 2023. Collection method: clinical testing. Allele origin: germline.